The following is an entry in ClinVar:

ClinVar aggregate classification (germline): Uncertain significance. Review status: criteria provided, multiple submitters, no conflicts (2 of 4 stars). 5 submissions from 5 submitters: Uncertain significance (5). Last evaluated 2025-10-26.

Conditions:
CSRP3-related disorder. Also called: CSRP3-related condition; CSRP3-related disorders.
Cardiovascular phenotype. Identifiers: MedGen CN230736.
Dilated cardiomyopathy 1M (CMD1M). Identifiers: Orphanet 154, MedGen C1843808, MONDO:0011840, OMIM 607482.
Hypertrophic cardiomyopathy 12. Identifiers: MedGen C2677491, MONDO:0012804, OMIM 612124.

Allele frequency attached by ClinVar (database versions not stated): ExAC 0.00001; gnomAD 0.00001; gnomAD exomes 0.00001; TOPMed 0.00001; ESP Exome Variant Server 0.00008.

Submissions (5):

PreventionGenetics, part of Exact Sciences
Classification: Uncertain significance for CSRP3-related condition. Last evaluated: 2025-10-26. Review status: criteria provided, single submitter. Criteria: ACMG Guidelines, 2015. Collection method: clinical testing. Allele origin: germline.
Comment: The CSRP3 c.86G>A variant is predicted to result in the amino acid substitution p.Ser29Asn. To our knowledge, this variant has not been reported in the literature. This variant is reported in 0.0062% of alleles in individuals of African descent in gnomAD. At this time, the clinical significance of this variant is uncertain due to the absence of conclusive functional and genetic evidence.

Labcorp Genetics (formerly Invitae), Labcorp
Classification: Uncertain significance for Hypertrophic cardiomyopathy 12; Dilated cardiomyopathy 1M. Last evaluated: 2025-08-06. Review status: criteria provided, single submitter. Criteria: Invitae Variant Classification Sherloc (09022015). Collection method: clinical testing. Allele origin: germline.
Comment: This sequence change replaces serine, which is neutral and polar, with asparagine, which is neutral and polar, at codon 29 of the CSRP3 protein (p.Ser29Asn). This variant is present in population databases (rs372717179, gnomAD 0.007%). This variant has not been reported in the literature in individuals affected with CSRP3-related conditions. ClinVar contains an entry for this variant (Variation ID: 201692). An algorithm developed to predict the effect of missense changes on protein structure and function (PolyPhen-2) suggests that this variant is likely to be tolerated. In summary, the available evidence is currently insufficient to determine the role of this variant in disease. Therefore, it has been classified as a Variant of Uncertain Significance.

Ambry Genetics
Classification: Uncertain significance for Cardiovascular phenotype. Last evaluated: 2023-11-27. Review status: criteria provided, single submitter. Criteria: Ambry Variant Classification Scheme 2023. Collection method: clinical testing. Allele origin: germline.
Comment: The p.S29N variant (also known as c.86G>A), located in coding exon 1 of the CSRP3 gene, results from a G to A substitution at nucleotide position 86. The serine at codon 29 is replaced by asparagine, an amino acid with highly similar properties. This amino acid position is highly conserved in available vertebrate species. In addition, the in silico prediction for this alteration is inconclusive. Since supporting evidence is limited at this time, the clinical significance of this alteration remains unclear.

Fulgent Genetics
Classification: Uncertain significance for Dilated cardiomyopathy 1M; Hypertrophic cardiomyopathy 12. Last evaluated: 2021-09-16. Review status: criteria provided, single submitter. Criteria: ACMG Guidelines, 2015. Collection method: clinical testing. Allele origin: unknown.

GeneDx
Classification: Uncertain significance. Last evaluated: 2019-10-31. Review status: criteria provided, single submitter. Criteria: GeneDx Variant Classification Process June 2021. Collection method: clinical testing. Allele origin: germline. Affected: yes.
Comment: Has not been previously published as pathogenic or benign to our knowledge; Not observed at a significant frequency in large population cohorts (Lek et al., 2016); Reported in ClinVar as a variant of uncertain significance (ClinVar Variant ID# 201692; Landrum et al., 2016); In silico analysis, which includes protein predictors and evolutionary conservation, supports that this variant does not alter protein structure/function

NM_003476.5(CSRP3):c.86G>A (p.Ser29Asn)

Gene: CSRP3 (cysteine and glycine rich protein 3; minus strand). Cytogenetic location: 11p15.1.
Variant type: single nucleotide variant.
Coding change: c.86G>A on transcript NM_003476.5 (MANE Select); coding-DNA position 86, G replaced by A.
Protein change: p.Ser29Asn; replaces serine 29 with asparagine.
Molecular consequence: missense variant.
Genome position (GRCh38, 1-based): chr11:19,192,363, C>T on the plus strand (G>A on the coding strand, the complement: CSRP3 is on the minus strand). VCF-style: chr11-19192363-C-T. GRCh37 (hg19) VCF-style: chr11-19213910-C-T.
Other names: p.S29N:AGT>AAT; c.86G>A (LRG_440t1); c.86G>A, p.Ser29Asn (NM_001369404.1); short protein forms S29N.
Identifiers: ClinVar variation 201692 (VCV000201692.11), dbSNP rs372717179, ClinGen allele CA335100.
Genomic context (GRCh38, chr11:19,192,363, plus strand): 5'-GCTGAGGGGCCCCCAGGGTGTCCACCCAACTCACTGCAGTGGAAACACGTCTTGTGGAAA[C>T]TCCTTCCATTGCACTGGATTTCTTCTGCATGGTAGACGGTCTTTTCACAGGCTCCACATT-3'
Protein context (NP_003467.1, residues 19-39): HAEEIQCNGR[Ser29Asn]FHKTCFHCMA